The following is an entry in ClinVar:

NM_001267550.2(TTN):c.53789_53790del (p.His17930fs)

Genes: TTN-AS1 (TTN antisense RNA 1; plus strand), TTN (titin; minus strand). Cytogenetic location: 2q31.2.
Variant type: Microsatellite.
Coding change: c.53789_53790del on transcript NM_001267550.2 (MANE Select); coding-DNA positions 53789 to 53790, 2 bases deleted (AC; older notation c.53789_53790delAC).
Protein change: p.His17930fs; shifts the reading frame from histidine 17930.
Molecular consequence: frameshift variant.
Genome position (GRCh38, 1-based): chr2:178,605,505-178,605,506, GT deleted on the plus strand (AC on the coding strand, the reverse complement: TTN is on the minus strand); deleting any 2 consecutive bases within chr2:178,605,505-178,605,508 gives the same sequence; the c. name uses the placement nearest the transcript's 3' end. VCF-style (leftmost placement, unchanged base first): chr2-178605504-GGT-G. GRCh37 (hg19) VCF-style: chr2-179470231-GGT-G.
Other names: c.48866_48867del, p.His16289fs (NM_001256850.1); c.26594_26595del, p.His8865fs (NM_003319.4); c.46085_46086del, p.His15362fs (NM_133378.4); c.26969_26970del, p.His8990fs (NM_133432.3); c.27170_27171del, p.His9057fs (NM_133437.4); short protein forms H15362fs, H16289fs, H17930fs, H8865fs, H8990fs, H9057fs.
Identifiers: ClinVar variation 2953277 (VCV002953277.3), dbSNP rs2470194778, ClinGen allele CA2740096115.

ClinVar aggregate classification (germline): Likely pathogenic (1 of 4 stars; one submission).

Conditions:
Autosomal recessive limb-girdle muscular dystrophy type 2J (LGMDR10). Also called: Limb-girdle muscular dystrophy, type 2J; MUSCULAR DYSTROPHY, LIMB-GIRDLE, AUTOSOMAL RECESSIVE 10. Identifiers: Orphanet 140922, MedGen C1837342, MONDO:0012127, OMIM 608807.
Dilated cardiomyopathy 1G (CMD1G). Identifiers: Orphanet 154, MedGen C1858763, MONDO:0011400, OMIM 604145.

Submission:

Labcorp Genetics (formerly Invitae), Labcorp
Classification: Likely pathogenic for Dilated cardiomyopathy 1G; Autosomal recessive limb-girdle muscular dystrophy type 2J. Last evaluated: 2023-10-25. Review status: criteria provided, single submitter. Criteria: Invitae Variant Classification Sherloc (09022015). Collection method: clinical testing. Allele origin: germline.
Comment: This sequence change creates a premature translational stop signal (p.His17930Profs*4) in the TTN gene. While this is not anticipated to result in nonsense mediated decay, it is expected to create a truncated TTN protein. This variant is not present in population databases (gnomAD no frequency). This variant has not been reported in the literature in individuals affected with TTN-related conditions. This variant is located in the A band of TTN (PMID: 25589632). Truncating variants in this region are significantly overrepresented in patients affected with dilated cardiomyopathy (PMID: 25589632). Truncating variants in this region have also been reported in individuals affected with autosomal recessive centronuclear myopathy (PMID: 23975875). In summary, the currently available evidence indicates that the variant is pathogenic, but additional data are needed to prove that conclusively. Therefore, this variant has been classified as Likely Pathogenic.

Literature cited by the submitters: PubMed 25589632; PubMed 23975875.